The following is an entry in ClinVar:

ClinVar aggregate classification (germline): Likely benign (0 of 4 stars; one submission).

Conditions:
PML-related disorder. Also called: PML-related condition.

Allele frequency attached by ClinVar (database versions not stated): TOPMed 0.00003; 1000 Genomes Project 30x 0.00016; ExAC 0.00016; 1000 Genomes Project 0.00020.
gnomAD v4.1: 116 of 1,600,066 alleles (0.0072%); highest among the groups gnomAD compares: Middle Eastern, 0.15%; 1 homozygote.

Submission:

PreventionGenetics, part of Exact Sciences
Classification: Likely benign for PML-related condition. Last evaluated: 2019-02-20. Review status: no assertion criteria provided. Collection method: clinical testing. Allele origin: germline.
Comment: This variant is classified as likely benign based on ACMG/AMP sequence variant interpretation guidelines (Richards et al. 2015 PMID: 25741868, with internal and published modifications).

NM_033238.3(PML):c.1149G>A (p.Leu383=)

Gene: PML (PML nuclear body scaffold; plus strand). Cytogenetic location: 15q24.1.
Variant type: single nucleotide variant.
Coding change: c.1149G>A on transcript NM_033238.3 (MANE Select); coding-DNA position 1149, G replaced by A.
Protein change: p.Leu383=; no amino-acid change (leucine 383 retained).
Molecular consequence: synonymous variant.
Genome position (GRCh38, 1-based): chr15:74,023,374, G>A. VCF-style: chr15-74023374-G-A. GRCh37 (hg19) VCF-style: chr15-74315715-G-A.
Other names: c.1149G>A, p.Leu383= (NM_002675.4, NM_033239.3, NM_033240.3 and 7 more transcripts).
Identifiers: ClinVar variation 3052021 (VCV003052021.2), dbSNP rs556426526, ClinGen allele CA7652499.